The following is an entry in ClinVar:

NM_000384.3(APOB):c.83-1G>A

Genes: APOB (apolipoprotein B; minus strand), LOC106560211 (APOB 5' regulatory region; plus strand). Cytogenetic location: 2p24.1.
Variant type: single nucleotide variant.
Coding change: c.83-1G>A on transcript NM_000384.3 (MANE Select); the canonical splice acceptor site of the intron before coding-DNA position 83, G replaced by A.
Molecular consequence: splice acceptor variant.
Genome position (GRCh38, 1-based): chr2:21,043,552, C>T on the plus strand (G>A on the coding strand, the complement: APOB is on the minus strand). VCF-style: chr2-21043552-C-T. GRCh37 (hg19) VCF-style: chr2-21266424-C-T.
Identifiers: ClinVar variation 5001133 (VCV005001133.1).

ClinVar aggregate classification (germline): Likely pathogenic (1 of 4 stars; one submission).

Conditions:
APOB-related disorder. Also called: APOB-related disorders; APOB-related condition.

gnomAD v4.1: 1 of 1,602,000 alleles (0.000062%); highest among the groups gnomAD compares: Admixed American, 0.0017%; no homozygotes.

Submission:

PreventionGenetics, part of Exact Sciences
Classification: Likely pathogenic for APOB-related condition. Last evaluated: 2024-11-27. Review status: criteria provided, single submitter. Criteria: ACMG Guidelines, 2015. Collection method: clinical testing. Allele origin: germline.
Comment: The APOB c.83-1G>A variant is predicted to disrupt the AG splice acceptor site and interfere with normal splicing. To our knowledge, this variant has not been reported in the literature or in a large population database (gnomAD), indicating this variant is rare. Variants that disrupt the consensus splice acceptor site in APOB are expected to be pathogenic. This variant is interpreted as likely pathogenic.